The following is an entry in ClinVar:

ClinVar aggregate classification (germline): Likely pathogenic (1 of 4 stars; one submission).

gnomAD v4.1: 1 of 1,613,664 alleles (0.000062%); highest among the groups gnomAD compares: Admixed American, 0.0017%; no homozygotes.

Submission:

Dasa
Classification: Likely pathogenic. Last evaluated: 2025-05-09. Review status: criteria provided, single submitter. Criteria: DASA Assertion Criteria. Collection method: clinical testing. Allele origin: germline.
Comment: NM_001136193.2(FASTKD2):c.1428-2A>G affects a canonical splice site and is predicted to disrupt normal RNA splicing. Loss of function is an established disease mechanism for FASTKD2-associated disorders. Also, this variant is rare in population databases. Based on the currently available evidence, this variant is classified as likely pathogenic.

NM_001136193.2(FASTKD2):c.1428-2A>G

Gene: FASTKD2 (FASTK mitochondrial RNA regulator 2; plus strand). Cytogenetic location: 2q33.3.
Variant type: single nucleotide variant.
Coding change: c.1428-2A>G on transcript NM_001136193.2 (MANE Select); the canonical splice acceptor site of the intron before coding-DNA position 1428, A replaced by G.
Molecular consequence: splice acceptor variant.
Genome position (GRCh38, 1-based): chr2:206,786,731, A>G. VCF-style: chr2-206786731-A-G. GRCh37 (hg19) VCF-style: chr2-207651455-A-G.
Other names: c.1428-2A>G (NM_001136194.2, NM_014929.4).
Identifiers: ClinVar variation 4882112 (VCV004882112.2).